The following is an entry in ClinVar:

NM_002225.5(IVD):c.163A>T (p.Lys55Ter)

Gene: IVD (isovaleryl-CoA dehydrogenase; plus strand). Cytogenetic location: 15q15.1.
Variant type: single nucleotide variant.
Coding change: c.163A>T on transcript NM_002225.5 (MANE Select); coding-DNA position 163, A replaced by T.
Protein change: p.Lys55Ter; replaces lysine 55 with a stop codon.
Molecular consequence: nonsense. On other transcripts: non-coding transcript variant (1), intron variant (1).
Genome position (GRCh38, 1-based): chr15:40,407,654, A>T. VCF-style: chr15-40407654-A-T. GRCh37 (hg19) VCF-style: chr15-40699855-A-T.
Other names: c.115A>T, p.Lys39Ter (NM_001354597.3); c.163A>T, p.Lys55Ter (NM_001354598.3, NM_001354599.3, NM_001354600.3 and 1 more transcripts); c.145-285A>T (NM_001159508.3); c.172A>T (NM_002225.3); short protein forms K39*, K55*.
Identifiers: ClinVar variation 2832126 (VCV002832126.4), dbSNP rs1443916294, ClinGen allele CA391744691.
Genomic context (GRCh38, chr15:40,407,654, plus strand): 5'-GATGCTGTCTGCAGTGGCATCTGTTTACCTCTCTCCTATTAGCTTCGTCAGACCATGGCT[A>T]AGTTCCTTCAGGAGCACCTGGCCCCCAAGGCCCAGGAGATCGATCGCAGCAATGAGTTCA-3'

ClinVar aggregate classification (germline): Pathogenic/Likely pathogenic. Review status: criteria provided, multiple submitters, no conflicts (2 of 4 stars). 2 submissions from 2 submitters: Pathogenic (1); Likely pathogenic (1). Last evaluated 2024-05-17.

Conditions:
Isovaleryl-CoA dehydrogenase deficiency (IVA). Also called: ISOVALERIC ACID CoA DEHYDROGENASE DEFICIENCY; Isovaleric acidemia; IVD DEFICIENCY; Classic Isovaleric Acidemia. Identifiers: Orphanet 33, MedGen C0268575, MONDO:0009475, OMIM 243500.

gnomAD v4.1: 3 of 1,614,098 alleles (0.00019%); highest among the groups gnomAD compares: Non-Finnish European, 0.00025%; no homozygotes.

Submissions (2):

Natera, Inc.
Classification: Likely pathogenic for Isovaleryl-coa dehydrogenase deficiency. Last evaluated: 2024-05-17. Review status: criteria provided, single submitter. Criteria: Natera Variant Classification Schema (03/2026). Collection method: clinical testing. Allele origin: germline.
Comment: The c.172A>T variant in IVD is a nonsense variant predicted to introduce a stop codon at amino acid 58. This variant is expected to result in nonsense mediated decay, truncation, or a dysfunctional protein product. This variant is rare in the general population with a frequency below the threshold expected for the associated phenotype(s). Given the available evidence, this variant is classified as Likely Pathogenic.

Labcorp Genetics (formerly Invitae), Labcorp
Classification: Pathogenic for Isovaleryl-CoA dehydrogenase deficiency. Last evaluated: 2023-07-19. Review status: criteria provided, single submitter. Criteria: Invitae Variant Classification Sherloc (09022015). Collection method: clinical testing. Allele origin: germline.
Comment: This variant is present in population databases (no rsID available, gnomAD 0.0009%). This sequence change creates a premature translational stop signal (p.Lys58*) in the IVD gene. It is expected to result in an absent or disrupted protein product. Loss-of-function variants in IVD are known to be pathogenic (PMID: 16602101). This variant has not been reported in the literature in individuals affected with IVD-related conditions. For these reasons, this variant has been classified as Pathogenic.

Literature cited by the submitters: PubMed 16602101 (cited by Labcorp Genetics (formerly Invitae), Labcorp).